The following is an entry in ClinVar:

NM_004830.4(MED23):c.818T>A (p.Val273Glu)

Gene: MED23 (mediator complex subunit 23; minus strand). Cytogenetic location: 6q23.2.
Variant type: single nucleotide variant.
Coding change: c.818T>A on transcript NM_004830.4 (MANE Select); coding-DNA position 818, T replaced by A.
Protein change: p.Val273Glu; replaces valine 273 with glutamic acid.
Molecular consequence: missense variant. On other transcripts: intron variant (1).
Genome position (GRCh38, 1-based): chr6:131,615,965, A>T on the plus strand (T>A on the coding strand, the complement: MED23 is on the minus strand). VCF-style: chr6-131615965-A-T. GRCh37 (hg19) VCF-style: chr6-131937105-A-T.
Other names: c.818T>A, p.Val273Glu (NM_001270521.2, NM_001270522.2, NM_001376517.1 and 6 more transcripts); c.746T>A, p.Val249Glu (NM_001376518.1); c.780+2442T>A (NM_001376523.1); short protein forms V249E, V273E.
Identifiers: ClinVar variation 3067731 (VCV003067731.21), dbSNP rs2482797971, ClinGen allele CA365645606.
Genomic context (GRCh38, chr6:131,615,965, plus strand): 5'-ACCTGCTTATTTAAACCTAGCATATTGCAGACCATATCCCTGGAATAAGGCTGCTCCAAT[A>T]CATATCTCAACAAAGCAGTCTGTGGTTCAAACAGATCCTTTAAAGAAAATAAGAAAATCA-3'
Protein context (NP_004821.2, residues 263-283): FEPQTALLRY[Val273Glu]LEQPYSRDMV

ClinVar aggregate classification (germline): Uncertain significance (1 of 4 stars; one submission).

Submission:

CeGaT Center for Human Genetics Tuebingen
Classification: Uncertain significance. Last evaluated: 2024-03-01. Review status: criteria provided, single submitter. Criteria: CeGaT Center For Human Genetics Tuebingen Variant Classification Criteria Version 2. Collection method: clinical testing. Allele origin: germline. Affected: yes. Observed: 1 variant allele.
Comment: MED23: PM2, PP2, PP3